The following is an entry in ClinVar:

ClinVar aggregate classification (germline): Benign/Likely benign. Review status: criteria provided, multiple submitters, no conflicts (2 of 4 stars). 12 submissions from 12 submitters: Benign (6); Likely benign (5). 1 of the submissions does not count toward it. Last evaluated 2026-09-01.

Conditions:
Generalized epilepsy with febrile seizures plus, type 10. Also called: GEFS+, TYPE 10. Identifiers: MedGen C5193120, MONDO:0032777, OMIM 618482.
Developmental and epileptic encephalopathy, 24 (DEE24). Also called: Epileptic encephalopathy, early infantile, 24. Identifiers: Orphanet 442835, MedGen C4014531, MONDO:0014377, OMIM 615871.
Early-infantile DEE. Also called: Early infantile epileptic encephalopathy with suppression bursts; Ohtahara syndrome; Early infantile epileptic encephalopathy. Identifiers: Orphanet 1934, MedGen C0393706, MONDO:0800491.
HCN1-related disorder. Also called: HCN1-related condition; HCN1-related disorders.
Inborn genetic diseases. Identifiers: MedGen C0950123, MeSH D030342.

Allele frequency attached by ClinVar (database versions not stated): 1000 Genomes Project 0.00120; 1000 Genomes Project 30x 0.00156; ExAC 0.00287; TOPMed 0.00340; gnomAD 0.00350 and 0.00362; gnomAD exomes 0.00626 and 0.00661.
gnomAD v4.1: 7,856 of 1,332,860 alleles (0.59%); highest among the groups gnomAD compares: Non-Finnish European, 0.7%; 28 homozygotes.

Submissions (12):

CeGaT Center for Human Genetics Tuebingen
Classification: Benign. Last evaluated: 2026-09-01. Review status: criteria provided, single submitter. Criteria: CeGaT Center For Human Genetics Tuebingen Variant Classification Criteria Version 2. Collection method: clinical testing. Allele origin: germline. Affected: yes. Observed: 49 variant alleles.
Comment: HCN1: PP3, BS1, BS2

Labcorp Genetics (formerly Invitae), Labcorp
Classification: Benign for Early-infantile DEE. Last evaluated: 2026-02-03. Review status: criteria provided, single submitter. Criteria: Invitae Variant Classification Sherloc (09022015). Collection method: clinical testing. Allele origin: germline.

ARUP Laboratories, Molecular Genetics and Genomics, ARUP Laboratories
Classification: Benign. Last evaluated: 2025-05-01. Review status: criteria provided, single submitter. Criteria: ARUP Molecular Germline Variant Investigation Process 2024. Collection method: clinical testing. Allele origin: germline.

Blueprint Genetics
Classification: Likely benign. Last evaluated: 2024-11-26. Review status: criteria provided, single submitter. Criteria: ACMG Guidelines, 2015. Collection method: clinical testing. Allele origin: germline.

GeneDx
Classification: Benign. Last evaluated: 2021-05-12. Review status: criteria provided, single submitter. Criteria: GeneDx Variant Classification Process June 2021. Collection method: clinical testing. Allele origin: germline. Affected: yes.
Comment: This variant is associated with the following publications: (PMID: 24747641)

Mayo Clinic Laboratories, Mayo Clinic
Classification: Benign. Last evaluated: 2019-04-03. Review status: criteria provided, single submitter. Criteria: ACMG Guidelines, 2015. Collection method: clinical testing. Allele origin: germline. Observed: 5 variant alleles.

Ambry Genetics
Classification: Likely benign for Inborn genetic diseases. Last evaluated: 2018-04-19. Review status: criteria provided, single submitter. Criteria: Ambry Variant Classification Scheme 2023. Collection method: clinical testing. Allele origin: germline.

Eurofins Ntd Llc (ga)
Classification: Likely benign. Last evaluated: 2017-11-16. Review status: criteria provided, single submitter. Criteria: EGL Classification Definitions 2015. Collection method: clinical testing. Allele origin: germline. Observed: 5 variant alleles, 5 heterozygotes.

Athena Diagnostics
Classification: Benign. Last evaluated: 2017-06-23. Review status: criteria provided, single submitter. Criteria: Athena Diagnostics Criteria. Collection method: clinical testing. Allele origin: germline.

Breakthrough Genomics
Classification: Likely benign. Review status: criteria provided, single submitter. Criteria: ACMG Guidelines, 2015. Collection method: not provided. Allele origin: germline. Inheritance: Autosomal dominant inheritance. Affected: yes.

Center for Genomics, Ann and Robert H. Lurie Children's Hospital of Chicago
Classification: Likely benign for Developmental and epileptic encephalopathy, 24; Generalized epilepsy with febrile seizures plus, type 10. Review status: criteria provided, single submitter. Criteria: ACMG Guidelines, 2015. Collection method: clinical testing. Allele origin: germline.
Comment: HCN1 NM_021072.3 exon 1 p.Gly47Val (c.140G>T):This variant has been reported in the literature in 1 individual with early infantile epileptic encephalopathy (Nava 2014 PMID:24747641). However this variant is present in 0.6% (412/67356) of European alleles including 2 homozygotes in the Genome Aggregation Database. This variant is present in ClinVar, with several labs classifying this variant as Likely Benign or Benign(Variation ID:193442). Evolutionary conservation for this variant is limited or unavailable; computational predictive tools suggest that this variant may not impact the protein. In summary, data on this variant suggests that this variant does not cause disease, but requires further evidence. Therefore this variant is classified as likely benign.

PreventionGenetics, part of Exact Sciences
Classification: Benign for HCN1-related condition. Last evaluated: 2022-02-23. Review status: no assertion criteria provided. Collection method: clinical testing. Allele origin: germline. Not counted in ClinVar's aggregate classification.
Comment: This variant is classified as benign based on ACMG/AMP sequence variant interpretation guidelines (Richards et al. 2015 PMID: 25741868, with internal and published modifications).

Literature cited by the submitters: PubMed 24747641 (cited by Eurofins Ntd Llc (ga) and Athena Diagnostics); PubMed 25678871 (cited by Athena Diagnostics); PubMed 26073591 (cited by Athena Diagnostics); PubMed 28488083 (cited by Athena Diagnostics).

NM_021072.4(HCN1):c.140G>T (p.Gly47Val)

Gene: HCN1 (hyperpolarization activated cyclic nucleotide gated potassium channel 1; minus strand). Cytogenetic location: 5p12.
Variant type: single nucleotide variant.
Coding change: c.140G>T on transcript NM_021072.4 (MANE Select); coding-DNA position 140, G replaced by T.
Protein change: p.Gly47Val; replaces glycine 47 with valine.
Molecular consequence: missense variant.
Genome position (GRCh38, 1-based): chr5:45,695,954, C>A on the plus strand (G>T on the coding strand, the complement: HCN1 is on the minus strand). VCF-style: chr5-45695954-C-A. GRCh37 (hg19) VCF-style: chr5-45696056-C-A.
Other names: short protein forms G47V.
Identifiers: ClinVar variation 193442 (VCV000193442.60), dbSNP rs544994462, ClinGen allele CA238962.
Genomic context (GRCh38, chr5:45,695,954, plus strand): 5'-CCGCCGCCACCGCCGTCCACCTTGAAGCACACGGAGTTGCCGTGCTCCTTCGCGCCGGCC[C>A]CGCCGCCCCCCGGCGGGGTGCCCAGGCGCTTCTCGGCCGCGGCCGGCCCCGCGCCCGTCG-3'
Protein context (NP_066550.2, residues 37-57): KRLGTPPGGG[Gly47Val]AGAKEHGNSV